The following is an entry in ClinVar:

ClinVar aggregate classification (germline): Uncertain significance (1 of 4 stars; one submission).

Conditions:
Hypertrophic cardiomyopathy. Also called: HYPERTROPHIC MYOCARDIOPATHY. Identifiers: Orphanet 217569, MedGen C0007194, MeSH D002312, MONDO:0005045, HP:0001639.

Submission:

Labcorp Genetics (formerly Invitae), Labcorp
Classification: Uncertain significance for Hypertrophic cardiomyopathy. Last evaluated: 2022-11-07. Review status: criteria provided, single submitter. Criteria: Invitae Variant Classification Sherloc (09022015). Collection method: clinical testing. Allele origin: germline.
Comment: In summary, the available evidence is currently insufficient to determine the role of this variant in disease. Therefore, it has been classified as a Variant of Uncertain Significance. Experimental studies and prediction algorithms are not available or were not evaluated, and the functional significance of this variant is currently unknown. This variant has not been reported in the literature in individuals affected with MYL3-related conditions. This variant is not present in population databases (gnomAD no frequency). This variant, c.454_458delins110, is a complex sequence change that results in the deletion of 2 and insertion of 37 amino acid(s) in the MYL3 protein (p.Glu152_Leu153delins37).

NM_000258.3(MYL3):c.454_458delinsCTCACTCGACCTTCTCACTTCTCCATAGGTGTCAGCGCCTACCACCAGGGGGCCTGGCAAATCAGCATGGATCCAGATGCTCCAGCAAACCATTACTGCATGTCACCACG (p.Glu152_Leu153delinsLeuThrArgProSerHisPheSerIleGlyValSerAlaTyrHisGlnGlyAlaTrpGlnIleSerMetAspProAspAlaProAlaAsnHisTyrCysMetSerProArg)

Gene: MYL3 (myosin light chain 3; minus strand). Cytogenetic location: 3p21.31.
Variant type: Indel.
Coding change: c.454_458delinsCTCACTCGACCTTCTCACTTCTCCATAGGTGTCAGCGCCTACCACCAGGGGGCCTGGCAAATCAGCATGGATCCAGATGCTCCAGCAAACCATTACTGCATGTCACCACG on transcript NM_000258.3 (MANE Select); coding-DNA positions 454 to 458, the reference bases replaced by an inserted sequence.
Protein change: p.Glu152_Leu153delinsLeuThrArgProSerHisPheSerIleGlyValSerAlaTyrHisGlnGlyAlaTrpGlnIleSerMetAspProAspAlaProAlaAsnHisTyrCysMetSerProArg.
Molecular consequence: inframe indel.
Genome position (GRCh38, 1-based): chr3:46,859,498-46,859,502, 5 bases replaced. GRCh37 (hg19): chr3:46,900,988-46,900,992.
Other names: c.454_458delGAGCTinsCTCACTCGACCTTCTCACTTCTCCATAGGTGTCAGCGCCTACCACCAGGGGGCCTGGCAAATCAGCATGGATCCAGATGCTCCAGCAAACCATTACTGCATGTCACCACG, p.Glu152_Leu153delinsLeuThrArgProSerHisPheSerIleGlyValSerAlaTyrHisGlnGlyAlaTrpGlnIleSerMetAspProAspAlaProAlaAsnHisTyrCysMetSerProArg (NM_001406937.1, NM_001406938.1, NM_001406939.1); c.280_284delGAGCTinsCTCACTCGACCTTCTCACTTCTCCATAGGTGTCAGCGCCTACCACCAGGGGGCCTGGCAAATCAGCATGGATCCAGATGCTCCAGCAAACCATTACTGCATGTCACCACG, p.Glu94_Leu95delinsLeuThrArgProSerHisPheSerIleGlyValSerAlaTyrHisGlnGlyAlaTrpGlnIleSerMetAspProAspAlaProAlaAsnHisTyrCysMetSerProArg (NM_001406940.1, NM_001406941.1).
Identifiers: ClinVar variation 1994344 (VCV001994344.4), dbSNP rs2544964934, ClinGen allele CA2580069872.